The following is an entry in ClinVar:

ClinVar aggregate classification (germline): Uncertain significance. Review status: criteria provided, multiple submitters, no conflicts (2 of 4 stars). 3 submissions from 3 submitters: Uncertain significance (3). Last evaluated 2025-03-12.

Conditions:
GABBR2-related disorder. Also called: GABBR2-related condition; GABBR2-related disorders.
Epileptic encephalopathy. Identifiers: MedGen C0543888, HP:0200134.

Submissions (3):

PreventionGenetics, part of Exact Sciences
Classification: Uncertain significance for GABBR2-related condition. Last evaluated: 2025-03-12. Review status: criteria provided, single submitter. Criteria: ACMG Guidelines, 2015. Collection method: clinical testing. Allele origin: germline.
Comment: The GABBR2 c.755T>A variant is predicted to result in the amino acid substitution p.Leu252His. To our knowledge, this variant has not been reported in the literature or in a large population database (gnomAD), indicating this variant is rare. At this time, the clinical significance of this variant is uncertain due to the absence of conclusive functional and genetic evidence.

GeneDx
Classification: Uncertain significance. Last evaluated: 2024-10-12. Review status: criteria provided, single submitter. Criteria: GeneDx Variant Classification Process June 2021. Collection method: clinical testing. Allele origin: germline. Affected: yes.
Comment: Not observed at significant frequency in large population cohorts (gnomAD); In silico analysis supports that this missense variant has a deleterious effect on protein structure/function; Has not been previously published as pathogenic or benign to our knowledge

Labcorp Genetics (formerly Invitae), Labcorp
Classification: Uncertain significance for Epileptic encephalopathy. Last evaluated: 2022-06-08. Review status: criteria provided, single submitter. Criteria: Invitae Variant Classification Sherloc (09022015). Collection method: clinical testing. Allele origin: germline.
Comment: In summary, the available evidence is currently insufficient to determine the role of this variant in disease. Therefore, it has been classified as a Variant of Uncertain Significance. Algorithms developed to predict the effect of missense changes on protein structure and function are either unavailable or do not agree on the potential impact of this missense change (SIFT: "Deleterious"; PolyPhen-2: "Possibly Damaging"; Align-GVGD: "Class C0"). This variant has not been reported in the literature in individuals affected with GABBR2-related conditions. This variant is not present in population databases (gnomAD no frequency). This sequence change replaces leucine, which is neutral and non-polar, with histidine, which is basic and polar, at codon 252 of the GABBR2 protein (p.Leu252His).

NM_005458.8(GABBR2):c.755T>A (p.Leu252His)

Gene: GABBR2 (gamma-aminobutyric acid type B receptor subunit 2; minus strand). Cytogenetic location: 9q22.33.
Variant type: single nucleotide variant.
Coding change: c.755T>A on transcript NM_005458.8 (MANE Select); coding-DNA position 755, T replaced by A.
Protein change: p.Leu252His; replaces leucine 252 with histidine.
Molecular consequence: missense variant.
Genome position (GRCh38, 1-based): chr9:98,480,975, A>T on the plus strand (T>A on the coding strand, the complement: GABBR2 is on the minus strand). VCF-style: chr9-98480975-A-T. GRCh37 (hg19) VCF-style: chr9-101243257-A-T.
Other names: c.755T>A (NM_005458.7); short protein forms L252H.
Identifiers: ClinVar variation 2003400 (VCV002003400.6), dbSNP rs2491685663, ClinGen allele CA374351801.